The following is an entry in ClinVar:

ClinVar aggregate classification (germline): Uncertain significance. Review status: criteria provided, multiple submitters, no conflicts (2 of 4 stars). 2 submissions from 2 submitters: Uncertain significance (2). Last evaluated 2025-06-10.

Conditions:
Hereditary cancer-predisposing syndrome. Also called: Neoplastic Syndromes, Hereditary; Tumor predisposition; Hereditary neoplastic syndrome; Hereditary Cancer Syndrome. Identifiers: Orphanet 140162, MedGen C0027672, MeSH D009386, MONDO:0015356.
BAP1-related tumor predisposition syndrome (TPDS1). Also called: Tumor susceptibility linked to germline BAP1 mutations; COMMON Syndrome; BAP1 tumor predisposition syndrome; TUMOR PREDISPOSITION SYNDROME 1. Identifiers: Orphanet 289539, MedGen C3280492, MONDO:0013692, OMIM 614327.

Submissions (2):

Ambry Genetics
Classification: Uncertain significance for Hereditary cancer-predisposing syndrome. Last evaluated: 2025-06-10. Review status: criteria provided, single submitter. Criteria: Ambry Variant Classification Scheme 2023. Collection method: clinical testing. Allele origin: germline.
Comment: The p.T412N variant (also known as c.1235C>A), located in coding exon 12 of the BAP1 gene, results from a C to A substitution at nucleotide position 1235. The threonine at codon 412 is replaced by asparagine, an amino acid with similar properties. This amino acid position is conserved. In addition, this alteration is predicted to be tolerated by in silico analysis. Based on the available evidence, the clinical significance of this variant remains unclear.

Labcorp Genetics (formerly Invitae), Labcorp
Classification: Uncertain significance for BAP1-related tumor predisposition syndrome. Last evaluated: 2023-04-08. Review status: criteria provided, single submitter. Criteria: Invitae Variant Classification Sherloc (09022015). Collection method: clinical testing. Allele origin: germline.
Comment: In summary, the available evidence is currently insufficient to determine the role of this variant in disease. Therefore, it has been classified as a Variant of Uncertain Significance. Advanced modeling of protein sequence and biophysical properties (such as structural, functional, and spatial information, amino acid conservation, physicochemical variation, residue mobility, and thermodynamic stability) performed at Invitae indicates that this missense variant is not expected to disrupt BAP1 protein function. This variant has not been reported in the literature in individuals affected with BAP1-related conditions. This variant is present in population databases (no rsID available, gnomAD 0.006%). This sequence change replaces threonine, which is neutral and polar, with asparagine, which is neutral and polar, at codon 412 of the BAP1 protein (p.Thr412Asn).

NM_004656.4(BAP1):c.1235C>A (p.Thr412Asn)

Gene: BAP1 (BRCA1 associated deubiquitinase 1; minus strand). Cytogenetic location: 3p21.1.
Variant type: single nucleotide variant.
Coding change: c.1235C>A on transcript NM_004656.4 (MANE Select); coding-DNA position 1235, C replaced by A.
Protein change: p.Thr412Asn; replaces threonine 412 with asparagine.
Molecular consequence: missense variant.
Genome position (GRCh38, 1-based): chr3:52,404,468, G>T on the plus strand (C>A on the coding strand, the complement: BAP1 is on the minus strand). VCF-style: chr3-52404468-G-T. GRCh37 (hg19) VCF-style: chr3-52438484-G-T.
Other names: c.1181C>A, p.Thr394Asn (NM_001410772.1); short protein forms T412N, T394N.
Identifiers: ClinVar variation 3011630 (VCV003011630.4), dbSNP rs760363108, ClinGen allele CA353102787.